The following is an entry in ClinVar:

ClinVar aggregate classification (germline): Uncertain significance. Review status: criteria provided, single submitter (1 of 4 stars). 2 submissions from 2 submitters: Uncertain significance (1). 1 of the submissions does not count toward it. Last evaluated 2021-10-11.

Conditions:
Primary ciliary dyskinesia. Also called: Ciliary dyskinesia. Identifiers: Orphanet 244, MedGen C0008780, MONDO:0016575, HP:0012265.

Allele frequency attached by ClinVar (database versions not stated): gnomAD 0.00001; gnomAD exomes 0.00001; TOPMed 0.00001.
gnomAD v4.1: 14 of 1,609,606 alleles (0.00087%); highest among the groups gnomAD compares: Non-Finnish European, 0.0012%; no homozygotes.

Submissions (2):

Ambry Genetics
Classification: Uncertain significance for Primary ciliary dyskinesia. Last evaluated: 2021-10-11. Review status: criteria provided, single submitter. Criteria: Ambry Variant Classification Scheme 2023. Collection method: clinical testing. Allele origin: germline.
Comment: The p.A560T variant (also known as c.1678G>A), located in coding exon 13 of the DNAH5 gene, results from a G to A substitution at nucleotide position 1678. The alanine at codon 560 is replaced by threonine, an amino acid with similar properties. This amino acid position is conserved. In addition, this alteration is predicted to be tolerated by in silico analysis. Since supporting evidence is limited at this time, the clinical significance of this alteration remains unclear.

Natera, Inc.
Classification: Uncertain significance for Primary ciliary dyskinesia. Last evaluated: 2020-08-14. Review status: no assertion criteria provided. Collection method: clinical testing. Allele origin: germline. Not counted in ClinVar's aggregate classification.

NM_001369.3(DNAH5):c.1678G>A (p.Ala560Thr)

Gene: DNAH5 (dynein axonemal heavy chain 5; minus strand). Cytogenetic location: 5p15.2.
Variant type: single nucleotide variant.
Coding change: c.1678G>A on transcript NM_001369.3 (MANE Select); coding-DNA position 1678, G replaced by A.
Protein change: p.Ala560Thr; replaces alanine 560 with threonine.
Molecular consequence: missense variant.
Genome position (GRCh38, 1-based): chr5:13,902,105, C>T on the plus strand (G>A on the coding strand, the complement: DNAH5 is on the minus strand). VCF-style: chr5-13902105-C-T. GRCh37 (hg19) VCF-style: chr5-13902214-C-T.
Other names: short protein forms A560T.
Identifiers: ClinVar variation 989924 (VCV000989924.3), dbSNP rs1395945103, ClinGen allele CA359208352.